The following is an entry in ClinVar:

NM_024753.5(TTC21B):c.1292_1294del (p.Glu431del)

Gene: TTC21B (tetratricopeptide repeat domain 21B; minus strand). Cytogenetic location: 2q24.3.
Variant type: Deletion.
Coding change: c.1292_1294del on transcript NM_024753.5 (MANE Select); coding-DNA positions 1292 to 1294, 3 bases deleted (AAG; older notation c.1292_1294delAAG).
Protein change: p.Glu431del; deletes glutamic acid 431.
Molecular consequence: inframe deletion.
Genome position (GRCh38, 1-based): chr2:165,929,227-165,929,229, CTT deleted on the plus strand (AAG on the coding strand, the reverse complement: TTC21B is on the minus strand); deleting any 3 consecutive bases within chr2:165,929,227-165,929,231 gives the same sequence; the c. name uses the placement nearest the transcript's 3' end. VCF-style (leftmost placement, unchanged base first): chr2-165929226-CCTT-C. GRCh37 (hg19) VCF-style: chr2-166785736-CCTT-C.
Other names: short protein forms E431del.
Identifiers: ClinVar variation 2066859 (VCV002066859.4), dbSNP rs747438835, ClinGen allele CA1942183.

ClinVar aggregate classification (germline): Uncertain significance (1 of 4 stars; one submission).

Conditions:
Jeune thoracic dystrophy. Also called: Infantile thoracic dystrophy; Thoracic pelvic phalangeal dystrophy; Jeune's syndrome; Chondroectodermal dysplasia-like syndrome; Short-rib thoracic dysplasia; Jeune syndrome. Identifiers: Orphanet 474, MedGen C0265275, MONDO:0018770.
Nephronophthisis. Also called: Juvenile Nephronophthisis. Identifiers: Orphanet 655, MedGen C0687120, MONDO:0019005, HP:0000090.

Submission:

Labcorp Genetics (formerly Invitae), Labcorp
Classification: Uncertain significance for Jeune thoracic dystrophy; Nephronophthisis. Last evaluated: 2022-07-15. Review status: criteria provided, single submitter. Criteria: Invitae Variant Classification Sherloc (09022015). Collection method: clinical testing. Allele origin: germline.
Comment: In summary, the available evidence is currently insufficient to determine the role of this variant in disease. Therefore, it has been classified as a Variant of Uncertain Significance. Experimental studies and prediction algorithms are not available or were not evaluated, and the functional significance of this variant is currently unknown. This variant has not been reported in the literature in individuals affected with TTC21B-related conditions. This variant is present in population databases (rs747438835, gnomAD 0.003%). This variant, c.1292_1294del, results in the deletion of 1 amino acid(s) of the TTC21B protein (p.Glu431del), but otherwise preserves the integrity of the reading frame.